The following is an entry in ClinVar:

ClinVar aggregate classification (germline): Uncertain significance (1 of 4 stars; one submission).

gnomAD v4.1: 4 of 1,548,904 alleles (0.00026%); highest among the groups gnomAD compares: Non-Finnish European, 0.00017%; no homozygotes.

Submission:

Labcorp Genetics (formerly Invitae), Labcorp
Classification: Uncertain significance. Last evaluated: 2022-01-04. Review status: criteria provided, single submitter. Criteria: Invitae Variant Classification Sherloc (09022015). Collection method: clinical testing. Allele origin: germline.
Comment: In summary, the available evidence is currently insufficient to determine the role of this variant in disease. Therefore, it has been classified as a Variant of Uncertain Significance. Algorithms developed to predict the effect of missense changes on protein structure and function are either unavailable or do not agree on the potential impact of this missense change (SIFT: "Deleterious"; PolyPhen-2: "Probably Damaging"; Align-GVGD: "Class C0"). This variant has not been reported in the literature in individuals affected with ACE-related conditions. This variant is not present in population databases (gnomAD no frequency). This sequence change replaces proline, which is neutral and non-polar, with histidine, which is basic and polar, at codon 1295 of the ACE protein (p.Pro1295His).

NM_000789.4(ACE):c.3884C>A (p.Pro1295His)

Gene: ACE (angiotensin I converting enzyme; plus strand). Cytogenetic location: 17q23.3.
Variant type: single nucleotide variant.
Coding change: c.3884C>A on transcript NM_000789.4 (MANE Select); coding-DNA position 3884, C replaced by A.
Protein change: p.Pro1295His; replaces proline 1295 with histidine.
Molecular consequence: missense variant. On other transcripts: non-coding transcript variant (1).
Genome position (GRCh38, 1-based): chr17:63,497,329, C>A. VCF-style: chr17-63497329-C-A. GRCh37 (hg19) VCF-style: chr17-61574690-C-A.
Other names: c.2039C>A, p.Pro680His (NM_001178057.2); c.3317C>A, p.Pro1106His (NM_001382700.1); c.3032C>A, p.Pro1011His (NM_001382701.1); c.1499C>A, p.Pro500His (NM_001382702.1); c.2162C>A, p.Pro721His (NM_152830.3); short protein forms P500H, P1011H, P1106H, P680H, P1295H, P721H.
Identifiers: ClinVar variation 2074785 (VCV002074785.4), dbSNP rs886053226, ClinGen allele CA400569610.